The following is an entry in ClinVar:

NM_000368.5(TSC1):c.1814A>G (p.Asp605Gly)

Gene: TSC1 (TSC complex subunit 1; minus strand). Cytogenetic location: 9q34.13.
Variant type: single nucleotide variant.
Coding change: c.1814A>G on transcript NM_000368.5 (MANE Select); coding-DNA position 1814, A replaced by G.
Protein change: p.Asp605Gly; replaces aspartic acid 605 with glycine.
Molecular consequence: missense variant.
Genome position (GRCh38, 1-based): chr9:132,905,764, T>C on the plus strand (A>G on the coding strand, the complement: TSC1 is on the minus strand). VCF-style: chr9-132905764-T-C. GRCh37 (hg19) VCF-style: chr9-135781151-T-C.
Other names: c.1811A>G, p.Asp604Gly (NM_001162426.2); c.1661A>G, p.Asp554Gly (NM_001162427.2); c.1451A>G, p.Asp484Gly (NM_001362177.2); short protein forms D484G, D605G, D554G, D604G.
Identifiers: ClinVar variation 656972 (VCV000656972.6), dbSNP rs994264701, ClinGen allele CA200888354.

ClinVar aggregate classification (germline): Uncertain significance. Review status: criteria provided, multiple submitters, no conflicts (2 of 4 stars). 3 submissions from 3 submitters: Uncertain significance (3). Last evaluated 2024-02-24.

Conditions:
Tuberous sclerosis 1 (TSC1). Identifiers: Orphanet 805, MedGen C1854465, MONDO:0008612, OMIM 191100.
Hereditary cancer-predisposing syndrome. Also called: Neoplastic Syndromes, Hereditary; Hereditary Cancer Syndrome; Tumor predisposition; Hereditary neoplastic syndrome. Identifiers: Orphanet 140162, MedGen C0027672, MeSH D009386, MONDO:0015356.

Submissions (3):

Ambry Genetics
Classification: Uncertain significance for Hereditary cancer-predisposing syndrome. Last evaluated: 2024-02-24. Review status: criteria provided, single submitter. Criteria: Ambry Variant Classification Scheme 2023. Collection method: clinical testing. Allele origin: germline.
Comment: The p.D605G variant (also known as c.1814A>G), located in coding exon 13 of the TSC1 gene, results from an A to G substitution at nucleotide position 1814. The aspartic acid at codon 605 is replaced by glycine, an amino acid with similar properties. This amino acid position is conserved. In addition, the in silico prediction for this alteration is inconclusive. Based on the available evidence, the clinical significance of this alteration remains unclear.

Labcorp Genetics (formerly Invitae), Labcorp
Classification: Uncertain significance for Tuberous sclerosis 1. Last evaluated: 2023-10-30. Review status: criteria provided, single submitter. Criteria: Invitae Variant Classification Sherloc (09022015). Collection method: clinical testing. Allele origin: germline.
Comment: This sequence change replaces aspartic acid, which is acidic and polar, with glycine, which is neutral and non-polar, at codon 605 of the TSC1 protein (p.Asp605Gly). This variant is not present in population databases (gnomAD no frequency). This variant has not been reported in the literature in individuals affected with TSC1-related conditions. ClinVar contains an entry for this variant (Variation ID: 656972). Advanced modeling of protein sequence and biophysical properties (such as structural, functional, and spatial information, amino acid conservation, physicochemical variation, residue mobility, and thermodynamic stability) performed at Invitae indicates that this missense variant is not expected to disrupt TSC1 protein function with a negative predictive value of 95%. In summary, the available evidence is currently insufficient to determine the role of this variant in disease. Therefore, it has been classified as a Variant of Uncertain Significance.

Blueprint Genetics
Classification: Uncertain significance. Last evaluated: 2023-03-09. Review status: criteria provided, single submitter. Criteria: ACMG Guidelines, 2015. Collection method: clinical testing. Allele origin: germline.